The following is an entry in ClinVar:

ClinVar aggregate classification (germline): Uncertain significance (1 of 4 stars; one submission).

Conditions:
Early-infantile DEE. Also called: Early infantile epileptic encephalopathy with suppression bursts; Early infantile epileptic encephalopathy; Ohtahara syndrome. Identifiers: Orphanet 1934, MedGen C0393706, MONDO:0800491.

Submission:

Labcorp Genetics (formerly Invitae), Labcorp
Classification: Uncertain significance for Early-infantile DEE. Last evaluated: 2021-12-21. Review status: criteria provided, single submitter. Criteria: Invitae Variant Classification Sherloc (09022015). Collection method: clinical testing. Allele origin: germline.
Comment: This variant is not present in population databases (gnomAD no frequency). This sequence change falls in intron 4 of the SCN1A gene. It does not directly change the encoded amino acid sequence of the SCN1A protein. It affects a nucleotide within the consensus splice site. This variant has been observed in individual(s) with SCN1A-related conditions (PMID: 17347258, 19589774). In summary, the available evidence is currently insufficient to determine the role of this variant in disease. Therefore, it has been classified as a Variant of Uncertain Significance. Variants that disrupt the consensus splice site are a relatively common cause of aberrant splicing (PMID: 17576681, 9536098). Algorithms developed to predict the effect of sequence changes on RNA splicing suggest that this variant may disrupt the consensus splice site.

Literature cited by the submitters: PubMed 17347258; PubMed 19589774; PubMed 17576681; PubMed 9536098.

NM_001165963.4(SCN1A):c.602+5G>A

Gene: SCN1A (sodium voltage-gated channel alpha subunit 1; minus strand). Cytogenetic location: 2q24.3.
Variant type: single nucleotide variant.
Coding change: c.602+5G>A on transcript NM_001165963.4 (MANE Select); 5 bases into the intron after coding-DNA position 602, G replaced by A.
Molecular consequence: intron variant.
Genome position (GRCh38, 1-based): chr2:166,054,633, C>T on the plus strand (G>A on the coding strand, the complement: SCN1A is on the minus strand). VCF-style: chr2-166054633-C-T. GRCh37 (hg19) VCF-style: chr2-166911143-C-T.
Other names: c.602+5G>A (NM_001353949.2, NM_001353958.2, NM_001353950.2 and 10 more transcripts); c.-1824+5G>A (NM_001353961.2).
Identifiers: ClinVar variation 2203203 (VCV002203203.4), dbSNP rs2468246115, ClinGen allele CA2580064309.